The following is an entry in ClinVar:

NM_014915.3(ANKRD26):c.2599C>T (p.Arg867Ter)

Gene: ANKRD26 (ankyrin repeat domain 26; minus strand). Cytogenetic location: 10p12.1.
Variant type: single nucleotide variant.
Coding change: c.2599C>T on transcript NM_014915.3 (MANE Select); coding-DNA position 2599, C replaced by T.
Protein change: p.Arg867Ter; replaces arginine 867 with a stop codon.
Molecular consequence: nonsense.
Genome position (GRCh38, 1-based): chr10:27,037,284, G>A on the plus strand (C>T on the coding strand, the complement: ANKRD26 is on the minus strand). VCF-style: chr10-27037284-G-A. GRCh37 (hg19) VCF-style: chr10-27326213-G-A.
Other names: c.2596C>T, p.Arg866Ter (NM_001256053.2); short protein forms R866*, R867*.
Identifiers: ClinVar variation 2895960 (VCV002895960.3), dbSNP rs762045478, ClinGen allele CA5448187.
Genomic context (GRCh38, chr10:27,037,284, plus strand): 5'-TTTGTTTGGAAAGGTGATTGGTCAGAATTCCATCTTGTAACATTCTGGCATTCTGTTCTC[G>A]AGAAAGTTGCCTCTGAGCGTCATTTCGCTCTTGAACGACCTAGAGATACATTAAGTTTTA-3'

ClinVar aggregate classification (germline): Uncertain significance (1 of 4 stars; one submission).

Allele frequency attached by ClinVar (database versions not stated): ExAC 0.00001.
gnomAD v4.1: 24 of 1,613,822 alleles (0.0015%); highest among the groups gnomAD compares: East Asian, 0.0022%; no homozygotes.

Submission:

Labcorp Genetics (formerly Invitae), Labcorp
Classification: Uncertain significance. Last evaluated: 2024-02-17. Review status: criteria provided, single submitter. Criteria: Invitae Variant Classification Sherloc (09022015). Collection method: clinical testing. Allele origin: germline.
Comment: This sequence change creates a premature translational stop signal (p.Arg867*) in the ANKRD26 gene. It is expected to result in an absent or disrupted protein product. However, the current clinical and genetic evidence is not sufficient to establish whether loss-of-function variants in ANKRD26 cause disease. This variant is present in population databases (rs762045478, gnomAD 0.003%). This variant has not been reported in the literature in individuals affected with ANKRD26-related conditions. In summary, the available evidence is currently insufficient to determine the role of this variant in disease. Therefore, it has been classified as a Variant of Uncertain Significance.